The following is an entry in ClinVar:

NM_001134407.3(GRIN2A):c.4277A>G (p.Glu1426Gly)

Gene: GRIN2A (glutamate ionotropic receptor NMDA type subunit 2A; minus strand). Cytogenetic location: 16p13.2.
Variant type: single nucleotide variant.
Coding change: c.4277A>G on transcript NM_001134407.3 (MANE Select); coding-DNA position 4277, A replaced by G.
Protein change: p.Glu1426Gly; replaces glutamic acid 1426 with glycine.
Molecular consequence: missense variant. On other transcripts: 3 prime UTR variant (1).
Genome position (GRCh38, 1-based): chr16:9,763,267, T>C on the plus strand (A>G on the coding strand, the complement: GRIN2A is on the minus strand). VCF-style: chr16-9763267-T-C. GRCh37 (hg19) VCF-style: chr16-9857124-T-C.
Other names: c.4277A>G, p.Glu1426Gly (NM_000833.5); c.*88A>G (NM_001134408.2); short protein forms E1426G.
Identifiers: ClinVar variation 1309630 (VCV001309630.2), dbSNP rs1177916783, ClinGen allele CA394705430.
Genomic context (GRCh38, chr16:9,763,267, plus strand): 5'-TTTAAAACCCTGGGGGTAGAGTACATATTATTCTTATTTGCAGCATAAGGCATAACATGC[T>C]CCGAAATATACACATCATTGTGGCCCCGACTGTCCCTGGAACAGTACGATGCCGTTGACC-3'
Protein context (NP_001127879.1, residues 1416-1436): SRGHNDVYIS[Glu1426Gly]HVMPYAANKN

ClinVar aggregate classification (germline): Uncertain significance (1 of 4 stars; one submission).

Allele frequency attached by ClinVar (database versions not stated): gnomAD exomes below 0.00001.
gnomAD v4.1: 2 of 1,614,130 alleles (0.00012%); highest among the groups gnomAD compares: Non-Finnish European, 0.00017%; no homozygotes.

Submission:

GeneDx
Classification: Uncertain significance. Last evaluated: 2019-09-03. Review status: criteria provided, single submitter. Criteria: GeneDx Variant Classification Process June 2021. Collection method: clinical testing. Allele origin: germline. Affected: yes.
Comment: Not observed at a significant frequency in large population cohorts (Lek et al., 2016); In silico analysis, which includes protein predictors and evolutionary conservation, supports that this variant does not alter protein structure/function; Has not been previously published as pathogenic or benign to our knowledge